The following is an entry in ClinVar:

NM_004943.2(DMWD):c.327C>T (p.Ala109=)

Gene: DMWD (DM1 locus, WD repeat containing; minus strand). Cytogenetic location: 19q13.32.
Variant type: single nucleotide variant.
Coding change: c.327C>T on transcript NM_004943.2 (MANE Select); coding-DNA position 327, C replaced by T.
Protein change: p.Ala109=; no amino-acid change (alanine 109 retained).
Molecular consequence: synonymous variant.
Genome position (GRCh38, 1-based): chr19:45,792,430, G>A on the plus strand (C>T on the coding strand, the complement: DMWD is on the minus strand). VCF-style: chr19-45792430-G-A. GRCh37 (hg19) VCF-style: chr19-46295688-G-A.
Identifiers: ClinVar variation 3041481 (VCV003041481.2), dbSNP rs181759157, ClinGen allele CA9522376.

ClinVar aggregate classification (germline): Benign (0 of 4 stars; one submission).

Conditions:
DMWD-related disorder. Also called: DMWD-related condition.

Allele frequency attached by ClinVar (database versions not stated): gnomAD exomes 0.00050; ExAC 0.00335; gnomAD 0.00552; 1000 Genomes Project 30x 0.00578; ESP Exome Variant Server 0.00594; 1000 Genomes Project 0.00599; TOPMed 0.00620.
gnomAD v4.1: 1,587 of 1,547,520 alleles (0.1%); highest among the groups gnomAD compares: African/African-American, 1.9%; 14 homozygotes.

Submission:

PreventionGenetics, part of Exact Sciences
Classification: Benign for DMWD-related condition. Last evaluated: 2019-12-06. Review status: no assertion criteria provided. Collection method: clinical testing. Allele origin: germline.
Comment: This variant is classified as benign based on ACMG/AMP sequence variant interpretation guidelines (Richards et al. 2015 PMID: 25741868, with internal and published modifications).